The following is an entry in ClinVar:

NM_001378120.1(MBD5):c.3764A>C (p.Gln1255Pro)

Gene: MBD5 (methyl-CpG binding domain protein 5; plus strand). Cytogenetic location: 2q23.1.
Variant type: single nucleotide variant.
Coding change: c.3764A>C on transcript NM_001378120.1 (MANE Select); coding-DNA position 3764, A replaced by C.
Protein change: p.Gln1255Pro; replaces glutamine 1255 with proline.
Molecular consequence: missense variant.
Genome position (GRCh38, 1-based): chr2:148,489,396, A>C. VCF-style: chr2-148489396-A-C. GRCh37 (hg19) VCF-style: chr2-149246965-A-C.
Other names: c.3065A>C, p.Gln1022Pro (NM_018328.5); short protein forms Q1022P, Q1255P.
Identifiers: ClinVar variation 2727423 (VCV002727423.3), dbSNP rs2470019545, ClinGen allele CA348724858.

ClinVar aggregate classification (germline): Uncertain significance (1 of 4 stars; one submission).

Conditions:
Intellectual developmental disorder, autosomal dominant 1. Also called: Intellectual disability, autosomal dominant 1; MBD5 Haploinsufficiency. Identifiers: Orphanet 228402, MedGen C1969562, MONDO:0007974, OMIM 156200.

gnomAD v4.1: 1 of 1,614,122 alleles (0.000062%); highest among the groups gnomAD compares: African/African-American, 0.0013%; no homozygotes.

Submission:

Labcorp Genetics (formerly Invitae), Labcorp
Classification: Uncertain significance for Intellectual developmental disorder, autosomal dominant 1. Last evaluated: 2023-07-17. Review status: criteria provided, single submitter. Criteria: Invitae Variant Classification Sherloc (09022015). Collection method: clinical testing. Allele origin: germline.
Comment: In summary, the available evidence is currently insufficient to determine the role of this variant in disease. Therefore, it has been classified as a Variant of Uncertain Significance. This sequence change replaces glutamine, which is neutral and polar, with proline, which is neutral and non-polar, at codon 1022 of the MBD5 protein (p.Gln1022Pro). This variant is not present in population databases (gnomAD no frequency). This variant has not been reported in the literature in individuals affected with MBD5-related conditions. Advanced modeling of protein sequence and biophysical properties (such as structural, functional, and spatial information, amino acid conservation, physicochemical variation, residue mobility, and thermodynamic stability) performed at Invitae indicates that this missense variant is not expected to disrupt MBD5 protein function.